The following is an entry in ClinVar:

NM_000023.4(SGCA):c.312+5C>T

Gene: SGCA (sarcoglycan alpha; plus strand). Cytogenetic location: 17q21.33.
Variant type: single nucleotide variant.
Coding change: c.312+5C>T on transcript NM_000023.4 (MANE Select); 5 bases into the intron after coding-DNA position 312, C replaced by T.
Molecular consequence: intron variant.
Genome position (GRCh38, 1-based): chr17:50,167,741, C>T. VCF-style: chr17-50167741-C-T. GRCh37 (hg19) VCF-style: chr17-48245102-C-T.
Other names: c.312+5C>T (NM_001135697.3, LRG_203t1).
Identifiers: ClinVar variation 657550 (VCV000657550.9), dbSNP rs377006294, ClinGen allele CA8643748.

ClinVar aggregate classification (germline): Uncertain significance. Review status: criteria provided, multiple submitters, no conflicts (2 of 4 stars). 5 submissions from 5 submitters: Uncertain significance (4). 1 of the submissions does not count toward it. Last evaluated 2026-06-30.

Conditions:
Sarcoglycanopathy. Identifiers: Orphanet 207052, MedGen C2936331, MONDO:0016140.
Autosomal recessive limb-girdle muscular dystrophy type 2D (LGMDR3). Also called: MUSCULAR DYSTROPHY, LIMB-GIRDLE, AUTOSOMAL RECESSIVE 3; DUCHENNE-LIKE AUTOSOMAL RECESSIVE MUSCULAR DYSTROPHY, TYPE 2; ADHALINOPATHY, PRIMARY. Identifiers: Orphanet 62, MedGen C2936332, MONDO:0011968, OMIM 608099. Disease mechanism: Affects gamma-sarcoglycan and also disrupts the integrity of the entire sarcoglycan complex..

Allele frequency attached by ClinVar (database versions not stated): TOPMed 0.00001; gnomAD 0.00002 and 0.00003; ExAC 0.00003; gnomAD exomes 0.00004 and 0.00005; ESP Exome Variant Server 0.00008.
gnomAD v4.1: 72 of 1,605,620 alleles (0.0045%); highest among the groups gnomAD compares: East Asian, 0.034%; no homozygotes.

Submissions (5):

Women's Health and Genetics/Laboratory Corporation of America, LabCorp
Classification: Uncertain significance. Last evaluated: 2026-06-30. Review status: criteria provided, single submitter. Criteria: LabCorp Variant Classification Summary - May 2015. Collection method: clinical testing. Allele origin: germline.

Genome-Nilou Lab
Classification: Uncertain significance for Autosomal recessive limb-girdle muscular dystrophy type 2D. Last evaluated: 2023-02-08. Review status: criteria provided, single submitter. Criteria: ACMG Guidelines, 2015. Collection method: clinical testing. Allele origin: germline.

Labcorp Genetics (formerly Invitae), Labcorp
Classification: Uncertain significance for Autosomal recessive limb-girdle muscular dystrophy type 2D. Last evaluated: 2022-07-12. Review status: criteria provided, single submitter. Criteria: Invitae Variant Classification Sherloc (09022015). Collection method: clinical testing. Allele origin: germline.
Comment: This sequence change falls in intron 3 of the SGCA gene. It does not directly change the encoded amino acid sequence of the SGCA protein. It affects a nucleotide within the consensus splice site. This variant is present in population databases (rs377006294, gnomAD 0.01%). This variant has not been reported in the literature in individuals affected with SGCA-related conditions. ClinVar contains an entry for this variant (Variation ID: 657550). Variants that disrupt the consensus splice site are a relatively common cause of aberrant splicing (PMID: 17576681, 9536098). Algorithms developed to predict the effect of sequence changes on RNA splicing suggest that this variant is not likely to affect RNA splicing. In summary, the available evidence is currently insufficient to determine the role of this variant in disease. Therefore, it has been classified as a Variant of Uncertain Significance.

Illumina Laboratory Services, Illumina
Classification: Uncertain significance for Sarcoglycanopathy. Last evaluated: 2018-01-13. Review status: criteria provided, single submitter. Criteria: ICSL Variant Classification Criteria 13 December 2019. Collection method: clinical testing. Allele origin: germline.

Natera, Inc.
Classification: Uncertain significance for Limb-girdle muscular dystrophy type 2D. Last evaluated: 2019-12-18. Review status: no assertion criteria provided. Collection method: clinical testing. Allele origin: germline. Not counted in ClinVar's aggregate classification.

Literature cited by the submitters: PubMed 17576681 (cited by Labcorp Genetics (formerly Invitae), Labcorp); PubMed 9536098 (cited by Labcorp Genetics (formerly Invitae), Labcorp).